The following is an entry in ClinVar:

NM_015512.5(DNAH1):c.6913G>A (p.Gly2305Ser)

Gene: DNAH1 (dynein axonemal heavy chain 1; plus strand). Cytogenetic location: 3p21.1.
Variant type: single nucleotide variant.
Coding change: c.6913G>A on transcript NM_015512.5 (MANE Select); coding-DNA position 6913, G replaced by A.
Protein change: p.Gly2305Ser; replaces glycine 2305 with serine.
Molecular consequence: missense variant.
Genome position (GRCh38, 1-based): chr3:52,372,981, G>A. VCF-style: chr3-52372981-G-A. GRCh37 (hg19) VCF-style: chr3-52406997-G-A.
Other names: c.6913G>A (NM_015512.4); short protein forms G2305S.
Identifiers: ClinVar variation 1475731 (VCV001475731.6), dbSNP rs779863598, ClinGen allele CA2434680.

ClinVar aggregate classification (germline): Uncertain significance. Review status: criteria provided, multiple submitters, no conflicts (2 of 4 stars). 2 submissions from 2 submitters: Uncertain significance (2). Last evaluated 2024-01-09.

Conditions:
Spermatogenic failure 18. Identifiers: MedGen C4539783, MONDO:0054615, OMIM 617576.
Ciliary dyskinesia, primary, 37 (CILD37). Also called: CILIARY DYSKINESIA, PRIMARY, 37, WITH OR WITHOUT SITUS INVERSUS. Identifiers: MedGen C4539798, MONDO:0033204, OMIM 617577.

Allele frequency attached by ClinVar (database versions not stated): gnomAD 0.00003 and 0.00004; TOPMed 0.00004; ExAC 0.00007; gnomAD exomes 0.00007.
gnomAD v4.1: 75 of 1,613,776 alleles (0.0046%); highest among the groups gnomAD compares: Middle Eastern, 0.033%; no homozygotes.

Submissions (2):

Ambry Genetics
Classification: Uncertain significance. Last evaluated: 2024-01-09. Review status: criteria provided, single submitter. Criteria: Ambry Variant Classification Scheme 2023. Collection method: clinical testing. Allele origin: germline.

Labcorp Genetics (formerly Invitae), Labcorp
Classification: Uncertain significance for Ciliary dyskinesia, primary, 37; Spermatogenic failure 18. Last evaluated: 2021-08-31. Review status: criteria provided, single submitter. Criteria: Invitae Variant Classification Sherloc (09022015). Collection method: clinical testing. Allele origin: germline.
Comment: This sequence change replaces glycine with serine at codon 2305 of the DNAH1 protein (p.Gly2305Ser). The glycine residue is moderately conserved and there is a small physicochemical difference between glycine and serine. This variant is present in population databases (rs779863598, ExAC 0.02%). This variant has not been reported in the literature in individuals affected with DNAH1-related conditions. Algorithms developed to predict the effect of missense changes on protein structure and function are either unavailable or do not agree on the potential impact of this missense change (SIFT: "Deleterious"; PolyPhen-2: "Probably Damaging"; Align-GVGD: "Class C0"). In summary, the available evidence is currently insufficient to determine the role of this variant in disease. Therefore, it has been classified as a Variant of Uncertain Significance.